The following is an entry in ClinVar:

ClinVar aggregate classification (germline): Uncertain significance (1 of 4 stars; one submission).

Allele frequency attached by ClinVar (database versions not stated): gnomAD exomes below 0.00001 and 0.00003; ExAC 0.00001; TOPMed 0.00003; gnomAD 0.00007; ESP Exome Variant Server 0.00008.
gnomAD v4.1: 63 of 1,612,606 alleles (0.0039%); highest among the groups gnomAD compares: Non-Finnish European, 0.0049%; no homozygotes.

Submission:

Labcorp Genetics (formerly Invitae), Labcorp
Classification: Uncertain significance. Last evaluated: 2025-10-23. Review status: criteria provided, single submitter. Criteria: Invitae Variant Classification Sherloc (09022015). Collection method: clinical testing. Allele origin: germline.
Comment: This sequence change replaces glutamic acid, which is acidic and polar, with aspartic acid, which is acidic and polar, at codon 392 of the CEP152 protein (p.Glu392Asp). This variant is present in population databases (rs372066992, gnomAD 0.005%). This variant has not been reported in the literature in individuals affected with CEP152-related conditions. ClinVar contains an entry for this variant (Variation ID: 1480467). An algorithm developed to predict the effect of missense changes on protein structure and function (PolyPhen-2) suggests that this variant is likely to be disruptive. In summary, the available evidence is currently insufficient to determine the role of this variant in disease. Therefore, it has been classified as a Variant of Uncertain Significance.

NM_001194998.2(CEP152):c.1176A>C (p.Glu392Asp)

Gene: CEP152 (centrosomal protein 152; minus strand). Cytogenetic location: 15q21.1.
Variant type: single nucleotide variant.
Coding change: c.1176A>C on transcript NM_001194998.2 (MANE Select); coding-DNA position 1176, A replaced by C.
Protein change: p.Glu392Asp; replaces glutamic acid 392 with aspartic acid.
Molecular consequence: missense variant.
Genome position (GRCh38, 1-based): chr15:48,784,118, T>G on the plus strand (A>C on the coding strand, the complement: CEP152 is on the minus strand). VCF-style: chr15-48784118-T-G. GRCh37 (hg19) VCF-style: chr15-49076315-T-G.
Other names: c.1176A>C, p.Glu392Asp (NM_014985.4); short protein forms E392D.
Identifiers: ClinVar variation 1480467 (VCV001480467.6), dbSNP rs372066992, ClinGen allele CA7548913.